The following is an entry in ClinVar:

NM_080476.5(PIGU):c.482C>T (p.Ala161Val)

Gene: PIGU (phosphatidylinositol glycan anchor biosynthesis class U; minus strand). Cytogenetic location: 20q11.22.
Variant type: single nucleotide variant.
Coding change: c.482C>T on transcript NM_080476.5 (MANE Select); coding-DNA position 482, C replaced by T.
Protein change: p.Ala161Val; replaces alanine 161 with valine.
Molecular consequence: missense variant.
Genome position (GRCh38, 1-based): chr20:34,634,662, G>A on the plus strand (C>T on the coding strand, the complement: PIGU is on the minus strand). VCF-style: chr20-34634662-G-A. GRCh37 (hg19) VCF-style: chr20-33222466-G-A.
Other names: short protein forms A161V.
Identifiers: ClinVar variation 1957225 (VCV001957225.3), dbSNP rs2516248110, ClinGen allele CA408664385.

ClinVar aggregate classification (germline): Uncertain significance (1 of 4 stars; one submission).

Allele frequency attached by ClinVar (database versions not stated): gnomAD exomes below 0.00001.
gnomAD v4.1: 5 of 1,613,218 alleles (0.00031%); highest among the groups gnomAD compares: Non-Finnish European, 0.00034%; no homozygotes.

Submission:

Labcorp Genetics (formerly Invitae), Labcorp
Classification: Uncertain significance. Last evaluated: 2022-10-17. Review status: criteria provided, single submitter. Criteria: Invitae Variant Classification Sherloc (09022015). Collection method: clinical testing. Allele origin: germline.
Comment: In summary, the available evidence is currently insufficient to determine the role of this variant in disease. Therefore, it has been classified as a Variant of Uncertain Significance. Advanced modeling of protein sequence and biophysical properties (such as structural, functional, and spatial information, amino acid conservation, physicochemical variation, residue mobility, and thermodynamic stability) performed at Invitae indicates that this missense variant is not expected to disrupt PIGU protein function. This variant has not been reported in the literature in individuals affected with PIGU-related conditions. This variant is not present in population databases (gnomAD no frequency). This sequence change replaces alanine, which is neutral and non-polar, with valine, which is neutral and non-polar, at codon 161 of the PIGU protein (p.Ala161Val).